The following is an entry in ClinVar:

NC_000016.10:g.67660442C>T

Gene: ACD (ACD shelterin complex subunit and telomerase recruitment factor; minus strand). Cytogenetic location: 16q22.1.
Variant type: single nucleotide variant.
Genome position: GRCh38 VCF-style: chr16-67660442-C-T. GRCh37 (hg19) VCF-style: chr16-67694345-C-T.
Other names: short protein forms V13I.
Identifiers: ClinVar variation 1404079 (VCV001404079.7), dbSNP rs781424953, ClinGen allele CA396360156.

ClinVar aggregate classification (germline): Uncertain significance. Review status: criteria provided, multiple submitters, no conflicts (2 of 4 stars). 2 submissions from 2 submitters: Uncertain significance (2). Last evaluated 2023-07-10.

Conditions:
Dyskeratosis congenita, autosomal dominant 6 (DKCA6). Identifiers: Orphanet 3322, MedGen C4225284, MONDO:0014690, OMIM 616553.
Inborn genetic diseases. Identifiers: MedGen C0950123, MeSH D030342.

Allele frequency attached by ClinVar (database versions not stated): TOPMed 0.00001.

Submissions (2):

Labcorp Genetics (formerly Invitae), Labcorp
Classification: Uncertain significance for Dyskeratosis congenita, autosomal dominant 6. Last evaluated: 2023-07-10. Review status: criteria provided, single submitter. Criteria: Invitae Variant Classification Sherloc (09022015). Collection method: clinical testing. Allele origin: germline.
Comment: In summary, the available evidence is currently insufficient to determine the role of this variant in disease. Therefore, it has been classified as a Variant of Uncertain Significance. Algorithms developed to predict the effect of missense changes on protein structure and function output the following: SIFT: "Not Available"; PolyPhen-2: "Benign"; Align-GVGD: "Not Available". The isoleucine amino acid residue is found in multiple mammalian species, which suggests that this missense change does not adversely affect protein function. ClinVar contains an entry for this variant (Variation ID: 1404079). This variant has not been reported in the literature in individuals affected with ACD-related conditions. This variant is not present in population databases (gnomAD no frequency). This sequence change replaces valine, which is neutral and non-polar, with isoleucine, which is neutral and non-polar, at codon 13 of the ACD protein (p.Val13Ile).

Ambry Genetics
Classification: Uncertain significance for Inborn genetic diseases. Last evaluated: 2021-09-01. Review status: criteria provided, single submitter. Criteria: Ambry Variant Classification Scheme 2023. Collection method: clinical testing. Allele origin: germline.
Comment: The p.V13I variant (also known as c.37G>A), located in coding exon 1 of the ACD gene, results from a G to A substitution at nucleotide position 37. The valine at codon 13 is replaced by isoleucine, an amino acid with highly similar properties. This amino acid position is conserved. In addition, this alteration is predicted to be tolerated by in silico analysis. Since supporting evidence is limited at this time, the clinical significance of this alteration remains unclear.